The following is an entry in ClinVar:

NM_002890.3(RASA1):c.1454-11_1454-7del

Genes: CCNH (cyclin H; minus strand), RASA1 (RAS p21 protein activator 1; plus strand). Cytogenetic location: 5q14.3.
Variant type: Deletion.
Coding change: c.1454-11_1454-7del on transcript NM_002890.3 (MANE Select); 11 bases into the intron before coding-DNA position 1454 through 7 bases into the intron before coding-DNA position 1454, 5 bases deleted (TTTTT; older notation c.1454-11_1454-7delTTTTT).
Molecular consequence: intron variant.
Genome position (GRCh38, 1-based): chr5:87,363,337-87,363,341, TTTTT deleted; deleting any 5 consecutive bases within chr5:87,363,331-87,363,341 gives the same sequence; the c. name uses the placement nearest the transcript's 3' end. VCF-style (leftmost placement, unchanged base first): chr5-87363330-ATTTTT-A. GRCh37 (hg19) VCF-style: chr5-86659147-ATTTTT-A.
Other names: c.1454-11_1454-7delTTTTT (NM_002890.3); c.923-11_923-7del (NM_022650.3); c.933+31709_933+31713del (NM_001364075.2).
Identifiers: ClinVar variation 3222908 (VCV003222908.2), dbSNP rs60835976, ClinGen allele CA2580583003.

ClinVar aggregate classification (germline): Likely pathogenic. Review status: criteria provided, multiple submitters, no conflicts (2 of 4 stars). 2 submissions from 2 submitters: Likely pathogenic (2). Last evaluated 2024-02-23.

Conditions:
Basal cell carcinoma, susceptibility to, 1. Also called: BCC1. Identifiers: MedGen C2751544, MONDO:0011556, OMIM 605462.
Capillary malformation-arteriovenous malformation 1 (CMAVM1). Identifiers: Orphanet 137667, Orphanet 693907, MedGen C4747394, MONDO:0020783, OMIM 608354.
Cardiovascular phenotype. Identifiers: MedGen CN230736.

Submissions (2):

Fulgent Genetics
Classification: Likely pathogenic for Basal cell carcinoma, susceptibility to, 1; Capillary malformation-arteriovenous malformation 1. Last evaluated: 2024-02-23. Review status: criteria provided, single submitter. Criteria: ACMG Guidelines, 2015. Collection method: clinical testing. Allele origin: germline.

Ambry Genetics
Classification: Likely pathogenic for Cardiovascular phenotype. Last evaluated: 2024-01-31. Review status: criteria provided, single submitter. Criteria: Ambry Variant Classification Scheme 2023. Collection method: clinical testing. Allele origin: germline.
Comment: The c.1454-11_1454-7delTTTTT intronic variant, located in intron 10 of the RASA1 gene, results from a deletion of 5 nucleotides within intron 10 of the RASA1 gene. This nucleotide region is not well conserved in available vertebrate species. In silico splice site analysis predicts that this alteration will weaken the native splice acceptor site. RNA studies have demonstrated that this alteration results in abnormal splicing in the set of samples tested (Ambry internal data). Based on the majority of available evidence to date, this variant is likely to be pathogenic.